The following is an entry in ClinVar:

ClinVar aggregate classification (germline): Uncertain significance. Review status: criteria provided, multiple submitters, no conflicts (2 of 4 stars). 2 submissions from 2 submitters: Uncertain significance (2). Last evaluated 2025-08-23.

Allele frequency attached by ClinVar (database versions not stated): gnomAD exomes 0.00001.
gnomAD v4.1: 6 of 1,614,186 alleles (0.00037%); highest among the groups gnomAD compares: Admixed American, 0.005%; no homozygotes.

Submissions (2):

Ambry Genetics
Classification: Uncertain significance. Last evaluated: 2025-08-23. Review status: criteria provided, single submitter. Criteria: Ambry Variant Classification Scheme 2023. Collection method: clinical testing. Allele origin: germline.

Labcorp Genetics (formerly Invitae), Labcorp
Classification: Uncertain significance. Last evaluated: 2022-05-25. Review status: criteria provided, single submitter. Criteria: Invitae Variant Classification Sherloc (09022015). Collection method: clinical testing. Allele origin: germline.
Comment: In summary, the available evidence is currently insufficient to determine the role of this variant in disease. Therefore, it has been classified as a Variant of Uncertain Significance. Algorithms developed to predict the effect of missense changes on protein structure and function are either unavailable or do not agree on the potential impact of this missense change (SIFT: "Deleterious"; PolyPhen-2: "Probably Damaging"; Align-GVGD: "Class C15"). This variant has not been reported in the literature in individuals affected with LRRC10-related conditions. This variant is present in population databases (no rsID available, gnomAD 0.006%). This sequence change replaces leucine, which is neutral and non-polar, with phenylalanine, which is neutral and non-polar, at codon 123 of the LRRC10 protein (p.Leu123Phe).

NM_201550.4(LRRC10):c.367C>T (p.Leu123Phe)

Gene: LRRC10 (leucine rich repeat containing 10; minus strand). Cytogenetic location: 12q15.
Variant type: single nucleotide variant.
Coding change: c.367C>T on transcript NM_201550.4 (MANE Select); coding-DNA position 367, C replaced by T.
Protein change: p.Leu123Phe; replaces leucine 123 with phenylalanine.
Molecular consequence: missense variant.
Genome position (GRCh38, 1-based): chr12:69,610,472, G>A on the plus strand (C>T on the coding strand, the complement: LRRC10 is on the minus strand). VCF-style: chr12-69610472-G-A. GRCh37 (hg19) VCF-style: chr12-70004252-G-A.
Other names: c.367C>T (NM_201550.2); short protein forms L123F.
Identifiers: ClinVar variation 1944246 (VCV001944246.6), dbSNP rs1325389891, ClinGen allele CA385736838.
Genomic context (GRCh38, chr12:69,610,472, plus strand): 5'-GCTCACAGACCACATCCGGCAGCTGGGTGAGGCAGTTGGCCTCGATCCACAGGGTCCTGA[G>A]GTTCTGGAGCAGGCTCAGCTCACTGGGGAGGTCGCAGAGTTTGTTGTTGCCCAGGTAGAG-3'
Protein context (NP_963844.2, residues 113-133): LPSELSLLQN[Leu123Phe]RTLWIEANCL